The following is an entry in ClinVar:

NM_007294.4(BRCA1):c.5423T>C (p.Val1808Ala)

Gene: BRCA1 (BRCA1 DNA repair associated; minus strand). Cytogenetic location: 17q21.31.
Variant type: single nucleotide variant.
Coding change: c.5423T>C on transcript NM_007294.4 (MANE Select); coding-DNA position 5423, T replaced by C.
Protein change: p.Val1808Ala; replaces valine 1808 with alanine.
Molecular consequence: missense variant. On other transcripts: synonymous variant (17).
Genome position (GRCh38, 1-based): chr17:43,047,687, A>G on the plus strand (T>C on the coding strand, the complement: BRCA1 is on the minus strand). VCF-style: chr17-43047687-A-G. GRCh37 (hg19) VCF-style: chr17-41199704-A-G.
Other names: c.5486T>C (NM_007300.3); c.5153T>C, p.Val1718Ala (NM_001407936.1, NM_001407934.1, NM_001407935.1); c.5226T>C, p.Cys1742= (NM_001407937.1, NM_001407938.1); c.5223T>C, p.Cys1741= (NM_001407939.1, NM_001407940.1); c.5220T>C, p.Cys1740= (NM_001407941.1); c.5208T>C, p.Cys1736= (NM_001407942.1); c.5205T>C, p.Cys1735= (NM_001407943.1, NM_001407944.1, NM_001407945.1); c.2114T>C, p.Val705Ala (NM_001407974.1, NM_001407975.1, NM_001407976.1 and 3 more transcripts); and 84 more; short protein forms V1808A, V1761A, V1829A, V704A, V1512A, V1695A, V1719A, V1720A.
Identifiers: ClinVar variation 55572 (VCV000055572.27), dbSNP rs80357358, ClinGen allele CA003585.
Genomic context (GRCh38, chr17:43,047,687, plus strand): 5'-CATGCAGGCACCTTACCATGGAAGCCATTGTCCTCTGTCCAGGCATCTGGCTGCACAACC[A>G]CAATTGGGTGGACACCCTGGATCCCCAGGAAGGAAAGAGCATTCAAAGTGTCAAAGTAGG-3'
Protein context (NP_009225.1, residues 1798-1818): FTLGTGVHPI[Val1808Ala]VVQPDAWTED

ClinVar aggregate classification (germline): Uncertain significance. Review status: criteria provided, multiple submitters, no conflicts (2 of 4 stars). 7 submissions from 7 submitters: Uncertain significance (5). 2 of the submissions do not count toward it. Last evaluated 2025-08-22.

Conditions:
Hereditary cancer-predisposing syndrome. Also called: Hereditary Cancer Syndrome; Hereditary neoplastic syndrome; Neoplastic Syndromes, Hereditary; Tumor predisposition. Identifiers: Orphanet 140162, MedGen C0027672, MeSH D009386, MONDO:0015356.
Hereditary breast ovarian cancer syndrome. Also called: BRCA1- and BRCA2-Associated Hereditary Breast and Ovarian Cancer; Hereditary breast and ovarian cancer syndrome; Hereditary breast and ovarian cancer syndrome (HBOC); Breast and ovarian cancer; Hereditary breast and/or ovarian cancer syndrome; Hereditary breast and ovarian cancer. Identifiers: Orphanet 145, MedGen C0677776, MeSH D061325, MONDO:0003582. Disease mechanism: loss of function.
BRCA1-related cancer predisposition. Identifiers: MedGen CN377757, MONDO:0700268.
Breast-ovarian cancer, familial, susceptibility to, 1 (BROVCA1). Also called: BRCA1 Hereditary Breast and Ovarian Cancer; OVARIAN CANCER, SUSCEPTIBILITY TO. Identifiers: Orphanet 145, MedGen C2676676, MONDO:0011450, OMIM 604370. Disease mechanism: loss of function.

Submissions (8):

Ambry Genetics
Classification: Uncertain significance for Hereditary cancer-predisposing syndrome. Last evaluated: 2025-08-22. Review status: criteria provided, single submitter. Criteria: Ambry Variant Classification Scheme 2023. Collection method: clinical testing. Allele origin: germline.
Comment: The p.V1808A variant (also known as c.5423T>C), located in coding exon 21 of the BRCA1 gene, results from a T to C substitution at nucleotide position 5423. The valine at codon 1808 is replaced by alanine, an amino acid with similar properties. This alteration shows intermediate function in a haploid cell survival assay as well as a yeast small colony phenotype assay (Findlay GM et al. Nature, 2018 10;562:217-222; Coyne RS et al. Cancer Biol. Ther., 2004 May;3:453-7). Additional analysis shows no defect in protein folding, and uncertain functionality in terms of transcriptional activation, and protein binding (Lee MS et al. Cancer Res. 2010 Jun;70:4880-90). Several computational methods predict this alteration has at lease a moderate destabilizing effect on the protein (Rowling PJ et al. J. Biol. Chem., 2010 Jun;285:20080-7; Mirkovic N et al. Cancer Res., 2004 Jun;64:3790-7; Williams RS et al. J. Biol. Chem., 2003 Dec;278:53007-16). This amino acid position is highly conserved in available vertebrate species. In addition, this alteration is predicted to be deleterious by in silico analysis. Since supporting evidence is limited at this time, the clinical significance of this alteration remains unclear.

Labcorp Genetics (formerly Invitae), Labcorp
Classification: Uncertain significance for Hereditary breast ovarian cancer syndrome. Last evaluated: 2024-07-01. Review status: criteria provided, single submitter. Criteria: Invitae Variant Classification Sherloc (09022015). Collection method: clinical testing. Allele origin: germline.
Comment: This sequence change replaces valine, which is neutral and non-polar, with alanine, which is neutral and non-polar, at codon 1808 of the BRCA1 protein (p.Val1808Ala). This variant is not present in population databases (gnomAD no frequency). This missense change has been observed in individual(s) with BRCA1-related conditions (PMID: 10923033). ClinVar contains an entry for this variant (Variation ID: 55572). Advanced modeling of protein sequence and biophysical properties (such as structural, functional, and spatial information, amino acid conservation, physicochemical variation, residue mobility, and thermodynamic stability) performed at Invitae indicates that this missense variant is expected to disrupt BRCA1 protein function with a positive predictive value of 95%. Experimental studies are conflicting or provide insufficient evidence to determine the effect of this variant on BRCA1 function (PMID: 14534301, 15004537, 20378548, 20516115, 30209399). In summary, the available evidence is currently insufficient to determine the role of this variant in disease. Therefore, it has been classified as a Variant of Uncertain Significance.

All of Us Research Program, National Institutes of Health
Classification: Uncertain significance for BRCA1-related cancer predisposition. Last evaluated: 2024-03-05. Review status: criteria provided, single submitter. Criteria: ACMG Guidelines, 2015. Collection method: clinical testing. Allele origin: germline. Inheritance: Autosomal dominant inheritance. Observed: 1 variant allele, 1 heterozygote.
Comment: This missense variant replaces valine with alanine at codon 1808 in the BRCT domain of the BRCA1 protein. Computational prediction suggests that this variant may have deleterious impact on protein structure and function (internally defined REVEL score threshold >= 0.7, PMID: 27666373). Functional studies have shown that this variant results in a moderately destabilized BRCA1 protein with a larger proportion of unfolded protein at physiological conditions in comparison to the wild type protein (PMID 20378548), and an intermediate function score (PMID 30209399). However, functional studies have also shown that the BRCA1 V1808A protein has proteolytic stability indistinguishable from the WT protein (PMID20516115). Functional studies in yeast have shown this variant causes a small colony phenotype, predictive of a negative impact on BRCA1 structure or function (PMID 15004537). This variant has not been reported in individuals affected with hereditary cancer in the literature. This variant has not been identified in the general population by the Genome Aggregation Database (gnomAD). The available evidence is insufficient to determine the role of this variant in disease conclusively. Therefore, this variant is classified as a Variant of Uncertain Significance.

This study involves interpretation of variants in research participants for the purpose of population health screening. Participant phenotype was not available at the time of variant classification. Additional details can be found in publication PMID: 35346344, PMCID: PMC8962531

Baylor Genetics
Classification: Uncertain significance for Breast-ovarian cancer, familial, susceptibility to, 1. Last evaluated: 2023-06-30. Review status: criteria provided, single submitter. Criteria: ACMG Guidelines, 2015. Collection method: clinical testing. Allele origin: unknown.

Color Diagnostics, LLC DBA Color Health
Classification: Uncertain significance for Hereditary cancer-predisposing syndrome. Last evaluated: 2022-01-05. Review status: criteria provided, single submitter. Criteria: ACMG Guidelines, 2015. Collection method: clinical testing. Allele origin: germline.
Comment: This missense variant replaces valine with alanine at codon 1808 in the BRCT domain of the BRCA1 protein. Computational prediction suggests that this variant may have deleterious impact on protein structure and function (internally defined REVEL score threshold >= 0.7, PMID: 27666373). Functional studies have shown that this variant results in a moderately destabilized BRCA1 protein with a larger proportion of unfolded protein at physiological conditions in comparison to the wild type protein (PMID 20378548), and an intermediate function score (PMID 30209399). However, functional studies have also shown that the BRCA1 V1808A protein has proteolytic stability indistinguishable from the WT protein (PMID20516115). Functional studies in yeast have shown this variant causes a small colony phenotype, predictive of a negative impact on BRCA1 structure or function (PMID 15004537). This variant has not been reported in individuals affected with hereditary cancer in the literature. This variant has not been identified in the general population by the Genome Aggregation Database (gnomAD). The available evidence is insufficient to determine the role of this variant in disease conclusively. Therefore, this variant is classified as a Variant of Uncertain Significance.

KCCC/NGS Laboratory, Kuwait Cancer Control Center
Classification: Uncertain significance for Breast-ovarian cancer, familial, susceptibility to, 1. Last evaluated: 2023-05-05. Review status: no assertion criteria provided. Collection method: clinical testing. Allele origin: germline. Affected: yes. Not counted in ClinVar's aggregate classification.
Comment: A variant of uncertain significance was detected in this sample . This sequence change replaces valine with alanine at codon 1829 of the BRCA1 protein (p.Val1829Ala ) also known as c.5486T>C, which located in coding exon 23 of the BRCA1 gene(NM_007300.3), results from a T to C substitution at nucleotide position 5486. This amino acid position is highly conserved. This variant is not present in population databases (gnomAD ). This variant reported in ClinVar database (ID: 55572) . This alteration is predicted to be possibly damaging and deleterious by ( BayesDel_addAF, DANN, EIGEN, FATHMM-MKL, LIST-S2, M-CAP, MVP, MutationTaster and SIFT). The inviro function test shows intermediate function in a haploid cell survival assay (PMID: 30209399). Additional analysis shows uncertain functionality in terms of transcriptional activation and protein binding (PMID: 20516115). In summary, the available evidence is currently insufficient to determine the role of this variant in disease. Therefore, it has been classified as a Variant of Uncertain Significance.

Breast Cancer Information Core (BIC) (BRCA1)
Classification: Uncertain significance for Breast-ovarian cancer, familial 1. Last evaluated: 1997-02-15. Review status: no assertion criteria provided. Collection method: clinical testing. Allele origin: germline. Affected: yes. Observed: 1 variant allele. Not counted in ClinVar's aggregate classification.

Brotman Baty Institute, University of Washington
No classification provided (evidence only). Condition: Breast-ovarian cancer, familial 1. Review status: no classification provided. Collection method: in vitro. Allele origin: not applicable. Functional consequence: function_uncertain_variant. Not counted in ClinVar's aggregate classification.
ClinVar note: "not provided" was previously submitted as the classification for the variant. However, the classification appeared to be based only on an observation of functional data so it was converted to no classification on 2025-07-30.

Literature cited by the submitters: PubMed 14534301 (cited by Ambry Genetics and Labcorp Genetics (formerly Invitae), Labcorp); PubMed 15004537 (cited by 3 submitters); PubMed 15172985 (cited by Ambry Genetics); PubMed 20378548 (cited by 3 submitters); PubMed 30209399 (cited by 3 submitters); PubMed 10923033 (cited by Labcorp Genetics (formerly Invitae), Labcorp); PubMed 20516115 (cited by Labcorp Genetics (formerly Invitae), Labcorp and Color Diagnostics, LLC DBA Color Health); PubMed 20104584 (cited by KCCC/NGS Laboratory, Kuwait Cancer Control Center).